The following is an entry in ClinVar:

NM_001330288.2(SMARCC2):c.44A>G (p.Tyr15Cys)

Genes: SMARCC2 (SWI/SNF related BAF chromatin remodeling complex subunit C2; minus strand), LOC130008058 (ATAC-STARR-seq lymphoblastoid silent region 4548; plus strand). Cytogenetic location: 12q13.2.
Variant type: single nucleotide variant.
Coding change: c.44A>G on transcript NM_001330288.2 (MANE Select); coding-DNA position 44, A replaced by G.
Protein change: p.Tyr15Cys; replaces tyrosine 15 with cysteine.
Molecular consequence: missense variant.
Genome position (GRCh38, 1-based): chr12:56,189,418, T>C on the plus strand (A>G on the coding strand, the complement: SMARCC2 is on the minus strand). VCF-style: chr12-56189418-T-C. GRCh37 (hg19) VCF-style: chr12-56583202-T-C.
Other names: c.44A>G, p.Tyr15Cys (NM_001130420.3, NM_003075.5, NM_139067.4); short protein forms Y15C.
Identifiers: ClinVar variation 4891463 (VCV004891463.1).

ClinVar aggregate classification (germline): Uncertain significance (1 of 4 stars; one submission).

Submission:

GeneDx
Classification: Uncertain significance. Last evaluated: 2026-01-22. Review status: criteria provided, single submitter. Criteria: GeneDx Variant Classification Process June 2021. Collection method: clinical testing. Allele origin: germline.
Comment: Not observed at significant frequency in large population cohorts (gnomAD); In silico analysis supports that this missense variant has a deleterious effect on protein structure/function; Has not been previously published as pathogenic or benign to our knowledge